The following is an entry in ClinVar:

NM_000784.4(CYP27A1):c.1436G>C (p.Arg479Pro)

Gene: CYP27A1 (cytochrome P450 family 27 subfamily A member 1; plus strand). Cytogenetic location: 2q35.
Variant type: single nucleotide variant.
Coding change: c.1436G>C on transcript NM_000784.4 (MANE Select); coding-DNA position 1436, G replaced by C.
Protein change: p.Arg479Pro; replaces arginine 479 with proline.
Molecular consequence: missense variant.
Genome position (GRCh38, 1-based): chr2:218,814,717, G>C. VCF-style: chr2-218814717-G-C. GRCh37 (hg19) VCF-style: chr2-219679440-G-C.
Other names: short protein forms R479P.
Identifiers: ClinVar variation 2159694 (VCV002159694.5), dbSNP rs199638075, ClinGen allele CA2112896.
Genomic context (GRCh38, chr2:218,814,717, plus strand): 5'-GGATCCAGCACCCATTTGGCTCTGTGCCCTTTGGCTATGGGGTCCGGGCCTGCCTGGGCC[G>C]CAGGATTGCAGAGCTGGAGATGCAGCTACTCCTCGCAAGGGTGAGCTGGGAGAGGCTAGT-3'
Protein context (NP_000775.1, residues 469-489): FGYGVRACLG[Arg479Pro]RIAELEMQLL

ClinVar aggregate classification (germline): Conflicting classifications of pathogenicity. Review status: criteria provided, conflicting classifications (1 of 4 stars). 2 submissions from 2 submitters: Likely pathogenic (1); Uncertain significance (1). Last evaluated 2026-08-21.

Conditions:
Cholestanol storage disease (CTX). Also called: CEREBRAL CHOLESTERINOSIS; CTX: Cerebrotendinous xanthomatosis; Cerebrotendinous Xanthomatosis. Identifiers: Orphanet 909, MedGen C0238052, MONDO:0008948, OMIM 213700.

gnomAD v4.1: 1 of 1,614,162 alleles (0.000062%); highest among the groups gnomAD compares: Admixed American, 0.0017%; no homozygotes.

Submissions (2):

Myriad Genetics, Inc.
Classification: Uncertain significance for Cholestanol storage disease. Last evaluated: 2026-08-21. Review status: criteria provided, single submitter. Criteria: Myriad Autosomal Dominant, Autosomal Recessive and X-Linked Classification Criteria (2023). Collection method: clinical testing. Allele origin: unknown.
Comment: NM_000784.3(CYP27A1):c.1436G>C(R479P) is a missense variant classified as a variant of uncertain significance in the context of cerebrotendinous xanthomatosis. R479P has not been observed in cases with relevant disease. Relevant functional assessments of this variant are not available in the literature. R479P has been observed in referenced population frequency databases. In summary, there is insufficient evidence to classify NM_000784.3(CYP27A1):c.1436G>C(R479P) as pathogenic or benign. Please note: this variant was assessed in the context of healthy population screening.

Labcorp Genetics (formerly Invitae), Labcorp
Classification: Likely pathogenic for Cholestanol storage disease. Last evaluated: 2023-05-01. Review status: criteria provided, single submitter. Criteria: Invitae Variant Classification Sherloc (09022015). Collection method: clinical testing. Allele origin: germline.
Comment: ClinVar contains an entry for this variant (Variation ID: 2159694). This variant has not been reported in the literature in individuals affected with CYP27A1-related conditions. This variant is present in population databases (rs199638075, gnomAD 0.003%). This sequence change replaces arginine, which is basic and polar, with proline, which is neutral and non-polar, at codon 479 of the CYP27A1 protein (p.Arg479Pro). In summary, the currently available evidence indicates that the variant is pathogenic, but additional data are needed to prove that conclusively. Therefore, this variant has been classified as Likely Pathogenic. This variant disrupts the p.Arg479 amino acid residue in CYP27A1. Other variant(s) that disrupt this residue have been determined to be pathogenic (PMID: 16278884, 25112387; Invitae). This suggests that this residue is clinically significant, and that variants that disrupt this residue are likely to be disease-causing. Advanced modeling of protein sequence and biophysical properties (such as structural, functional, and spatial information, amino acid conservation, physicochemical variation, residue mobility, and thermodynamic stability) has been performed at Invitae for this missense variant, however the output from this modeling did not meet the statistical confidence thresholds required to predict the impact of this variant on CYP27A1 protein function.

Literature cited by the submitters: PubMed 16278884 (cited by Labcorp Genetics (formerly Invitae), Labcorp); PubMed 25112387 (cited by Labcorp Genetics (formerly Invitae), Labcorp).